The following is an entry in ClinVar:

NM_000051.4(ATM):c.2428A>T (p.Lys810Ter)

Gene: ATM (ATM serine/threonine kinase; plus strand). Cytogenetic location: 11q22.3.
Variant type: single nucleotide variant.
Coding change: c.2428A>T on transcript NM_000051.4 (MANE Select); coding-DNA position 2428, A replaced by T.
Protein change: p.Lys810Ter; replaces lysine 810 with a stop codon.
Molecular consequence: nonsense.
Genome position (GRCh38, 1-based): chr11:108,259,037, A>T. VCF-style: chr11-108259037-A-T. GRCh37 (hg19) VCF-style: chr11-108129764-A-T.
Other names: c.2428A>T, p.Lys810Ter (NM_001351834.2); short protein forms K810*.
Identifiers: ClinVar variation 1791112 (VCV001791112.3), dbSNP rs201909756, ClinGen allele CA382541267.
Genomic context (GRCh38, chr11:108,259,037, plus strand): 5'-TAATTGCAGAAGAGTCCAAATAAGATTGCATCTGGCTTTTTCCTGCGATTGTTAACATCA[A>T]AGCTAATGAATGACATTGCAGATATTTGTAAAAGTTTAGTAAGTATGCTTCCTGTTTTGC-3'

ClinVar aggregate classification (germline): Pathogenic (1 of 4 stars; one submission).
ClinVar aggregate classification (oncogenicity): Likely oncogenic (1 of 4 stars; one submission).

Conditions:
Hereditary cancer-predisposing syndrome. Also called: Hereditary Cancer Syndrome; Hereditary neoplastic syndrome; Tumor predisposition; Neoplastic Syndromes, Hereditary. Identifiers: Orphanet 140162, MedGen C0027672, MeSH D009386, MONDO:0015356.
Neoplasm. Also called: tumor; Neoplasms; Neoplasm (disease). Identifiers: MedGen C0027651, MeSH D009369, MONDO:0005070, HP:0002664.

Submissions (2):

Center for Genomic Medicine, Rigshospitalet, Copenhagen University Hospital
Classification: Likely oncogenic for Neoplasm. Last evaluated: 2025-12-29. Review status: criteria provided, single submitter. Criteria: ClinGen/CGC/VICC Guidelines for Oncogenicity, 2022. Collection method: clinical testing. Allele origin: somatic. Affected: yes.

Ambry Genetics
Classification: Pathogenic for Hereditary cancer-predisposing syndrome. Last evaluated: 2015-02-05. Review status: criteria provided, single submitter. Criteria: Ambry Variant Classification Scheme 2023. Collection method: clinical testing. Allele origin: germline.
Comment: The p.K810* pathogenic mutation (also known as c.2428A>T), located in coding exon 15 of the ATM gene, results from a A to T substitution at nucleotide position 2428. This changes the amino acid from a lysine to a stop codon within coding exon 15. Since premature stop codons are typically deleterious in nature, this alteration is interpreted as a disease-causing mutation (ACMG Recommendations for Standards for Interpretation and Reporting of Sequence Variations. Revision 2007. Genet Med. 2008;10:294).

Literature cited by the submitters: PubMed 16603769 (cited by Center for Genomic Medicine, Rigshospitalet, Copenhagen University Hospital).